The following is an entry in ClinVar:

ClinVar aggregate classification (germline): Likely pathogenic (1 of 4 stars; one submission).

Submission:

GeneDx
Classification: Likely pathogenic. Last evaluated: 2024-10-31. Review status: criteria provided, single submitter. Criteria: GeneDx Variant Classification Process June 2021. Collection method: clinical testing. Allele origin: germline. Affected: yes.
Comment: Not observed at significant frequency in large population cohorts (gnomAD); In silico analysis supports that this missense variant has a deleterious effect on protein structure/function; Has not been previously published as pathogenic or benign to our knowledge

NM_014159.7(SETD2):c.4712C>T (p.Pro1571Leu)

Gene: SETD2 (SET domain containing 2, histone lysine methyltransferase; minus strand). Cytogenetic location: 3p21.31.
Variant type: single nucleotide variant.
Coding change: c.4712C>T on transcript NM_014159.7 (MANE Select); coding-DNA position 4712, C replaced by T.
Protein change: p.Pro1571Leu; replaces proline 1571 with leucine.
Molecular consequence: missense variant. On other transcripts: non-coding transcript variant (1).
Genome position (GRCh38, 1-based): chr3:47,113,879, G>A on the plus strand (C>T on the coding strand, the complement: SETD2 is on the minus strand). VCF-style: chr3-47113879-G-A. GRCh37 (hg19) VCF-style: chr3-47155369-G-A.
Other names: c.4580C>T, p.Pro1527Leu (NM_001349370.3); short protein forms P1527L, P1571L.
Identifiers: ClinVar variation 3897174 (VCV003897174.1).
Genomic context (GRCh38, chr3:47,113,879, plus strand): 5'-AAAGAGTGAGACCTTGTCTCAAAAAAGGAAGTGAAAGGTAATTAAAAAAGAACTTACGAA[G>A]GAAGGTCTTTGGCAGCTCTCAAGCCCCAGCCTTTCTTTTCTGTGAGTATGACTTCCACAT-3'
Protein context (NP_054878.5, residues 1561-1581): GWGLRAAKDL[Pro1571Leu]SNTFVLEYCG